The following is an entry in ClinVar:

NM_152383.5(DIS3L2):c.1793A>G (p.His598Arg)

Gene: DIS3L2 (DIS3 like 3'-5' exoribonuclease 2; plus strand). Cytogenetic location: 2q37.1.
Variant type: single nucleotide variant.
Coding change: c.1793A>G on transcript NM_152383.5 (MANE Select); coding-DNA position 1793, A replaced by G.
Protein change: p.His598Arg; replaces histidine 598 with arginine.
Molecular consequence: missense variant. On other transcripts: intron variant (1).
Genome position (GRCh38, 1-based): chr2:232,329,866, A>G. VCF-style: chr2-232329866-A-G. GRCh37 (hg19) VCF-style: chr2-233194576-A-G.
Other names: c.1582-13479A>G (NM_001257281.2); short protein forms H598R.
Identifiers: ClinVar variation 1422324 (VCV001422324.6), dbSNP rs759032228, ClinGen allele CA2164270.

ClinVar aggregate classification (germline): Uncertain significance (1 of 4 stars; one submission).

Conditions:
Perlman syndrome (PRLMNS). Identifiers: Orphanet 2849, MedGen C0796113, MONDO:0009965, OMIM 267000.

Allele frequency attached by ClinVar (database versions not stated): gnomAD exomes below 0.00001 and 0.00001; ExAC 0.00001.
gnomAD v4.1: 20 of 1,591,866 alleles (0.0013%); highest among the groups gnomAD compares: Non-Finnish European, 0.0017%; no homozygotes.

Submission:

Labcorp Genetics (formerly Invitae), Labcorp
Classification: Uncertain significance for Perlman syndrome. Last evaluated: 2025-04-14. Review status: criteria provided, single submitter. Criteria: Invitae Variant Classification Sherloc (09022015). Collection method: clinical testing. Allele origin: germline.
Comment: This sequence change replaces histidine, which is basic and polar, with arginine, which is basic and polar, at codon 598 of the DIS3L2 protein (p.His598Arg). This variant is present in population databases (rs759032228, gnomAD 0.0009%). This variant has not been reported in the literature in individuals affected with DIS3L2-related conditions. ClinVar contains an entry for this variant (Variation ID: 1422324). Invitae Evidence Modeling of protein sequence and biophysical properties (such as structural, functional, and spatial information, amino acid conservation, physicochemical variation, residue mobility, and thermodynamic stability) indicates that this missense variant is not expected to disrupt DIS3L2 protein function with a negative predictive value of 80%. In summary, the available evidence is currently insufficient to determine the role of this variant in disease. Therefore, it has been classified as a Variant of Uncertain Significance.